The following is an entry in ClinVar:

ClinVar aggregate classification (germline): Likely benign (1 of 4 stars; one submission).

Submission:

CeGaT Center for Human Genetics Tuebingen
Classification: Likely benign. Last evaluated: 2025-03-01. Review status: criteria provided, single submitter. Criteria: CeGaT Center For Human Genetics Tuebingen Variant Classification Criteria Version 2. Collection method: clinical testing. Allele origin: germline. Affected: yes. Observed: 1 variant allele.
Comment: WBP4: PM4, BS2

NM_007187.5(WBP4):c.333AGAAAAGAA[1] (p.112EKK[1])

Gene: WBP4 (WW domain binding protein 4; plus strand). Cytogenetic location: 13q14.11.
Variant type: Microsatellite.
Coding change: c.333AGAAAAGAA[1] on transcript NM_007187.5 (MANE Select); one copy of the 9-base unit AGAAAAGAA starting at c.333; the reference has two copies in a row; one copy, 9 bases deleted.
Protein change: p.112EKK[1].
Genome position (GRCh38, 1-based): chr13:41,068,640-41,068,648, AGAAAAGAA deleted; deleting any 9 consecutive bases within chr13:41,068,627-41,068,648 gives the same sequence; the position shown is the placement nearest the transcript's 3' end. VCF-style (leftmost placement, unchanged base first): chr13-41068626-CAGAAAGAAA-C. GRCh37 (hg19) VCF-style: chr13-41642762-CAGAAAGAAA-C.
Identifiers: ClinVar variation 3778089 (VCV003778089.7).